The following is an entry in ClinVar:

ClinVar aggregate classification (germline): Pathogenic. Review status: criteria provided, multiple submitters, no conflicts (2 of 4 stars). 2 submissions from 2 submitters: Pathogenic (2). Last evaluated 2025-09-26.

Conditions:
Usher syndrome. Also called: Usher's syndrome; Usher Syndromes. Identifiers: Orphanet 886, MedGen CN469326, MeSH D052245, MONDO:0019501. Disease mechanism: loss of function.

Submissions (2):

Women's Health and Genetics/Laboratory Corporation of America, LabCorp
Classification: Pathogenic for Usher syndrome. Last evaluated: 2025-09-26. Review status: criteria provided, single submitter. Criteria: LabCorp Variant Classification Summary - May 2015. Collection method: clinical testing. Allele origin: germline.
Comment: Variant summary: MYO7A c.3729dupG (p.Pro1244AlafsX64) results in a premature termination codon, predicted to cause a truncation of the encoded protein or absence of the protein due to nonsense mediated decay, which are commonly known mechanisms for disease. The variant was absent in 181858 control chromosomes. To our knowledge, no occurrence of c.3729dupG in individuals affected with MYO7A-related conditions and no experimental evidence demonstrating its impact on protein function have been reported. ClinVar contains an entry for this variant (Variation ID: 938007). Based on the evidence outlined above, the variant was classified as pathogenic.

Labcorp Genetics (formerly Invitae), Labcorp
Classification: Pathogenic. Last evaluated: 2022-10-13. Review status: criteria provided, single submitter. Criteria: Invitae Variant Classification Sherloc (09022015). Collection method: clinical testing. Allele origin: germline.
Comment: For these reasons, this variant has been classified as Pathogenic. ClinVar contains an entry for this variant (Variation ID: 938007). This variant has not been reported in the literature in individuals affected with MYO7A-related conditions. This variant is not present in population databases (gnomAD no frequency). This sequence change creates a premature translational stop signal (p.Pro1244Alafs*64) in the MYO7A gene. It is expected to result in an absent or disrupted protein product. Loss-of-function variants in MYO7A are known to be pathogenic (PMID: 8900236, 25404053).

Literature cited by the submitters: PubMed 8900236 (cited by Labcorp Genetics (formerly Invitae), Labcorp); PubMed 25404053 (cited by Labcorp Genetics (formerly Invitae), Labcorp).

NM_000260.4(MYO7A):c.3729dup (p.Pro1244fs)

Gene: MYO7A (myosin VIIA; plus strand). Cytogenetic location: 11q13.5.
Variant type: Duplication.
Coding change: c.3729dup on transcript NM_000260.4 (MANE Select); coding-DNA position 3729, one base duplicated (G; older notation c.3729dupG).
Protein change: p.Pro1244fs; shifts the reading frame from proline 1244.
Molecular consequence: frameshift variant.
Genome position (GRCh38, 1-based): chr11:77,190,118, G duplicated. VCF-style (leftmost placement, unchanged base first): chr11-77190117-C-CG. GRCh37 (hg19) VCF-style: chr11-76901162-C-CG.
Other names: c.3729dupG (NM_000260.4); c.3729dup, p.Pro1244fs (NM_001127180.2); c.3696dup, p.Pro1233fs (NM_001369365.1); short protein forms P1233fs, P1244fs.
Identifiers: ClinVar variation 938007 (VCV000938007.8), dbSNP rs1955941699, ClinGen allele CA1139662100.